The following is an entry in ClinVar:

ClinVar aggregate classification (germline): Pathogenic. Review status: criteria provided, multiple submitters, no conflicts (2 of 4 stars). 2 submissions from 2 submitters: Pathogenic (2). Last evaluated 2021-06-13.

Conditions:
Hypohidrotic X-linked ectodermal dysplasia (XHED). Also called: Anhidrotic ectodermal dysplasia X-linked; Christ Siemens Touraine syndrome; ECTODERMAL DYSPLASIA 1, HYPOHIDROTIC, X-LINKED; ECTODERMAL DYSPLASIA 1, HYPOHIDROTIC/HAIR/TOOTH TYPE, X-LINKED; ECTODERMAL DYSPLASIA, HYPOHIDROTIC, 1; CST SYNDROME. Identifiers: Orphanet 181, Orphanet 238468, MedGen C0162359, MONDO:0010585, OMIM 305100.

Submissions (2):

Labcorp Genetics (formerly Invitae), Labcorp
Classification: Pathogenic for Hypohidrotic X-linked ectodermal dysplasia. Last evaluated: 2021-06-13. Review status: criteria provided, single submitter. Criteria: Invitae Variant Classification Sherloc (09022015). Collection method: clinical testing. Allele origin: germline.
Comment: For these reasons, this variant has been classified as Pathogenic. This variant has been observed in individual(s) with ectodermal dysplasia (PMID: 23687000, 25333067). ClinVar contains an entry for this variant (Variation ID: 44210). This variant is not present in population databases (ExAC no frequency). This sequence change creates a premature translational stop signal (p.Trp274Cysfs*6) in the EDA gene. It is expected to result in an absent or disrupted protein product. Loss-of-function variants in EDA are known to be pathogenic (PMID: 9683615).

Laboratory for Molecular Medicine, Mass General Brigham Personalized Medicine
Classification: Pathogenic for Hypohidrotic X-linked ectodermal dysplasia. Last evaluated: 2011-07-22. Review status: criteria provided, single submitter. Criteria: LMM Criteria. Collection method: clinical testing. Allele origin: germline. Inheritance: X-linked inheritance. Observed: 1 variant allele.
Comment: The Trp274CysfsX6 variant in EDA has not been reported in the literature nor pre viously identified by our laboratory. However, the Trp274CysfsX6 variant is pred icted to cause a frameshift, which alters the protein's amino acid sequence begi nning at codon 274 and leads to a premature stop codon 6 codons downstream. This alteration is then predicted to lead to a truncated or absent protein. In summa ry, this variant meets our criteria to be classified as pathogenic.

Literature cited by the submitters: PubMed 23687000 (cited by Labcorp Genetics (formerly Invitae), Labcorp); PubMed 25333067 (cited by Labcorp Genetics (formerly Invitae), Labcorp); PubMed 9683615 (cited by Labcorp Genetics (formerly Invitae), Labcorp).

NM_001399.5(EDA):c.822del (p.Trp274fs)

Gene: EDA (ectodysplasin A; plus strand). Cytogenetic location: Xq13.1.
Variant type: Deletion.
Coding change: c.822del on transcript NM_001399.5 (MANE Select); coding-DNA position 822, one base deleted (G; older notation c.822delG).
Protein change: p.Trp274fs; shifts the reading frame from tryptophan 274.
Molecular consequence: frameshift variant.
Genome position (GRCh38, 1-based): chrX:70,033,426, G deleted; the last of 2 consecutive G bases (chrX:70,033,425-70,033,426); deleting either gives the same sequence. VCF-style (leftmost placement, unchanged base first): chrX-70033424-TG-T. GRCh37 (hg19) VCF-style: chrX-69253274-TG-T.
Other names: c.822del, p.Trp274fs (NM_001005609.2); c.813del, p.Trp271fs (NM_001005612.3); short protein forms W274fs, W271fs.
Identifiers: ClinVar variation 44210 (VCV000044210.11), dbSNP rs397516676, ClinGen allele CA261507.